The following is an entry in ClinVar:

NM_007186.6(CEP250):c.2566A>G (p.Asn856Asp)

Genes: CEP250 (centrosomal protein 250; plus strand), CEP250-AS1 (CEP250 antisense RNA 1; minus strand). Cytogenetic location: 20q11.22.
Variant type: single nucleotide variant.
Coding change: c.2566A>G on transcript NM_007186.6 (MANE Select); coding-DNA position 2566, A replaced by G.
Protein change: p.Asn856Asp; replaces asparagine 856 with aspartic acid.
Molecular consequence: missense variant.
Genome position (GRCh38, 1-based): chr20:35,480,125, A>G. VCF-style: chr20-35480125-A-G. GRCh37 (hg19) VCF-style: chr20-34067950-A-G.
Other names: c.670A>G, p.Asn224Asp (NM_001318219.1); short protein forms N224D, N856D.
Identifiers: ClinVar variation 1345654 (VCV001345654.8), dbSNP rs770616514, ClinGen allele CA408770107.

ClinVar aggregate classification (germline): Uncertain significance (1 of 4 stars; one submission).

Allele frequency attached by ClinVar (database versions not stated): gnomAD 0.00001.
gnomAD v4.1: 6 of 1,612,072 alleles (0.00037%); highest among the groups gnomAD compares: South Asian, 0.0044%; no homozygotes.

Submission:

Labcorp Genetics (formerly Invitae), Labcorp
Classification: Uncertain significance. Last evaluated: 2023-11-27. Review status: criteria provided, single submitter. Criteria: Invitae Variant Classification Sherloc (09022015). Collection method: clinical testing. Allele origin: germline.
Comment: This sequence change replaces asparagine, which is neutral and polar, with aspartic acid, which is acidic and polar, at codon 856 of the CEP250 protein (p.Asn856Asp). This variant is not present in population databases (gnomAD no frequency). This variant has not been reported in the literature in individuals affected with CEP250-related conditions. ClinVar contains an entry for this variant (Variation ID: 1345654). Algorithms developed to predict the effect of missense changes on protein structure and function output the following: SIFT: "Not Available"; PolyPhen-2: "Benign"; Align-GVGD: "Not Available". The aspartic acid amino acid residue is found in multiple mammalian species, which suggests that this missense change does not adversely affect protein function. In summary, the available evidence is currently insufficient to determine the role of this variant in disease. Therefore, it has been classified as a Variant of Uncertain Significance.